The following is an entry in ClinVar:

ClinVar aggregate classification (germline): Uncertain significance (1 of 4 stars; one submission).

Conditions:
Mucopolysaccharidosis, MPS-III-C (MPS3C). Also called: mucopolysaccharidosis type 3C; MUCOPOLYSACCHARIDOSIS, TYPE IIIC; SANFILIPPO SYNDROME C; MPS III C; Mucopolysaccharidosis type IIIC (Sanfilippo C); MPS IIIC (Sanfilippo Syndrome Type C). Identifiers: Orphanet 581, Orphanet 79271, MedGen C0086649, MONDO:0009657, OMIM 252930.
Retinitis pigmentosa 73 (RP73). Identifiers: Orphanet 791, MedGen C4225287, MONDO:0014687, OMIM 616544.

Allele frequency attached by ClinVar (database versions not stated): TOPMed below 0.00001; gnomAD 0.00001; gnomAD exomes below 0.00001.
gnomAD v4.1: 1 of 1,613,710 alleles (0.000062%); highest among the groups gnomAD compares: African/African-American, 0.0013%; no homozygotes.

Submission:

Labcorp Genetics (formerly Invitae), Labcorp
Classification: Uncertain significance for Retinitis pigmentosa 73; Mucopolysaccharidosis, MPS-III-C. Last evaluated: 2025-11-03. Review status: criteria provided, single submitter. Criteria: Invitae Variant Classification Sherloc (09022015). Collection method: clinical testing. Allele origin: germline.
Comment: This sequence change replaces glutamic acid, which is acidic and polar, with aspartic acid, which is acidic and polar, at codon 148 of the HGSNAT protein (p.Glu148Asp). This variant is not present in population databases (gnomAD no frequency). This variant has not been reported in the literature in individuals affected with HGSNAT-related conditions. ClinVar contains an entry for this variant (Variation ID: 939085). Invitae Evidence Modeling of protein sequence and biophysical properties (such as structural, functional, and spatial information, amino acid conservation, physicochemical variation, residue mobility, and thermodynamic stability) indicates that this missense variant is not expected to disrupt HGSNAT protein function with a negative predictive value of 95%. In summary, the available evidence is currently insufficient to determine the role of this variant in disease. Therefore, it has been classified as a Variant of Uncertain Significance.

NM_152419.3(HGSNAT):c.444A>C (p.Glu148Asp)

Gene: HGSNAT (heparan-alpha-glucosaminide N-acetyltransferase; plus strand). Cytogenetic location: 8p11.21.
Variant type: single nucleotide variant.
Coding change: c.444A>C on transcript NM_152419.3 (MANE Select); coding-DNA position 444, A replaced by C.
Protein change: p.Glu148Asp; replaces glutamic acid 148 with aspartic acid.
Molecular consequence: missense variant. On other transcripts: 5 prime UTR variant (1).
Genome position (GRCh38, 1-based): chr8:43,158,995, A>C. VCF-style: chr8-43158995-A-C. GRCh37 (hg19) VCF-style: chr8-43014138-A-C.
Other names: c.444A>C, p.Glu148Asp (NM_001363227.2, NM_001363228.2); c.-390A>C (NM_001363229.2); short protein forms E148D.
Identifiers: ClinVar variation 939085 (VCV000939085.5), dbSNP rs1399122628, ClinGen allele CA371115608.